The following is an entry in ClinVar:

NM_006531.5(IFT88):c.1420G>T (p.Asp474Tyr)

Gene: IFT88 (intraflagellar transport 88; plus strand). Cytogenetic location: 13q12.11.
Variant type: single nucleotide variant.
Coding change: c.1420G>T on transcript NM_006531.5 (MANE Select); coding-DNA position 1420, G replaced by T.
Protein change: p.Asp474Tyr; replaces aspartic acid 474 with tyrosine.
Molecular consequence: missense variant. On other transcripts: non-coding transcript variant (4).
Genome position (GRCh38, 1-based): chr13:20,638,365, G>T. VCF-style: chr13-20638365-G-T. GRCh37 (hg19) VCF-style: chr13-21212504-G-T.
Other names: c.1363G>T, p.Asp455Tyr (NM_001318491.2, NM_001353575.2); c.1447G>T, p.Asp483Tyr (NM_001318493.2, NM_001353565.2, NM_001353566.2 and 2 more transcripts); c.1420G>T, p.Asp474Tyr (NM_001353568.2, NM_001353572.2); c.1345G>T, p.Asp449Tyr (NM_001353569.2, NM_001353570.2, NM_001353576.2 and 1 more transcripts); c.1318G>T, p.Asp440Tyr (NM_001353571.2, NM_001353578.2); c.1276G>T, p.Asp426Tyr (NM_001353573.2); c.1261G>T, p.Asp421Tyr (NM_001353574.2); c.787G>T, p.Asp263Tyr (NM_001353579.2); short protein forms D263Y, D455Y, D440Y, D483Y, D421Y, D426Y, D449Y, D474Y.
Identifiers: ClinVar variation 1895685 (VCV001895685.5), dbSNP rs138582529, ClinGen allele CA246517498.

ClinVar aggregate classification (germline): Uncertain significance (1 of 4 stars; one submission).

Allele frequency attached by ClinVar (database versions not stated): ESP Exome Variant Server 0.00008.

Submission:

Labcorp Genetics (formerly Invitae), Labcorp
Classification: Uncertain significance. Last evaluated: 2022-06-02. Review status: criteria provided, single submitter. Criteria: Invitae Variant Classification Sherloc (09022015). Collection method: clinical testing. Allele origin: germline.
Comment: This sequence change replaces aspartic acid, which is acidic and polar, with tyrosine, which is neutral and polar, at codon 483 of the IFT88 protein (p.Asp483Tyr). This variant is not present in population databases (gnomAD no frequency). This variant has not been reported in the literature in individuals affected with IFT88-related conditions. Algorithms developed to predict the effect of missense changes on protein structure and function are either unavailable or do not agree on the potential impact of this missense change (SIFT: "Not Available"; PolyPhen-2: "Probably Damaging"; Align-GVGD: "Not Available"). In summary, the available evidence is currently insufficient to determine the role of this variant in disease. Therefore, it has been classified as a Variant of Uncertain Significance.